The following is an entry in ClinVar:

NM_001085451.2(LNP1):c.222A>G (p.Gln74=)

Gene: LNP1 (leukemia NUP98 fusion partner 1; plus strand). Cytogenetic location: 3q12.2.
Variant type: single nucleotide variant.
Coding change: c.222A>G on transcript NM_001085451.2 (MANE Select); coding-DNA position 222, A replaced by G.
Protein change: p.Gln74=; no amino-acid change (glutamine 74 retained).
Molecular consequence: synonymous variant.
Genome position (GRCh38, 1-based): chr3:100,451,784, A>G. VCF-style: chr3-100451784-A-G. GRCh37 (hg19) VCF-style: chr3-100170628-A-G.
Identifiers: ClinVar variation 4820666 (VCV004820666.4).
Genomic context (GRCh38, chr3:100,451,784, plus strand): 5'-TGTGCTTCCCAGAATTCCATCATCTGACTGCCATCCTAGAAGGCATTCTCATGAGGACCA[A>G]GAATTTCGATGCCGTAGCCACGTACGGGATTACAGAAAATACTCAGAGGATGGGTCATTC-3'
Protein context (NP_001078920.1, residues 64-84): CHPRRHSHED[Gln74=]EFRCRSHVRD

ClinVar aggregate classification (germline): Likely benign (1 of 4 stars; one submission).

Submission:

CeGaT Center for Human Genetics Tuebingen
Classification: Likely benign. Last evaluated: 2026-08-01. Review status: criteria provided, single submitter. Criteria: CeGaT Center For Human Genetics Tuebingen Variant Classification Criteria Version 2. Collection method: clinical testing. Allele origin: germline. Affected: yes. Observed: 3 variant alleles.
Comment: LNP1: BP4, BP7